The following is an entry in ClinVar:

NM_144670.6(A2ML1):c.2615C>T (p.Thr872Ile)

Gene: A2ML1 (alpha-2-macroglobulin like 1; plus strand). Cytogenetic location: 12p13.31.
Variant type: single nucleotide variant.
Coding change: c.2615C>T on transcript NM_144670.6 (MANE Select); coding-DNA position 2615, C replaced by T.
Protein change: p.Thr872Ile; replaces threonine 872 with isoleucine.
Molecular consequence: missense variant.
Genome position (GRCh38, 1-based): chr12:8,854,152, C>T. VCF-style: chr12-8854152-C-T. GRCh37 (hg19) VCF-style: chr12-9006748-C-T.
Other names: c.1142C>T, p.Thr381Ile (NM_001282424.3); c.2615C>T (NM_144670.3); short protein forms T872I, T381I.
Identifiers: ClinVar variation 2190434 (VCV002190434.5), dbSNP rs779404191, ClinGen allele CA6436076.
Genomic context (GRCh38, chr12:8,854,152, plus strand): 5'-AATAGGGCTAATGGCTTCCCTTCTTCTTTCTCTCAGGTCACATTAACTTTACTATTAGTA[C>T]AAAGATTCTGGACAGCAATGAACCATGTGGGGGCCAGAAGGGGTTTGTTCCCCAAAAGGG-3'
Protein context (NP_653271.3, residues 862-882): KLGHINFTIS[Thr872Ile]KILDSNEPCG

ClinVar aggregate classification (germline): Uncertain significance. Review status: criteria provided, multiple submitters, no conflicts (2 of 4 stars). 2 submissions from 2 submitters: Uncertain significance (2). Last evaluated 2025-12-12.

Allele frequency attached by ClinVar (database versions not stated): TOPMed below 0.00001; ExAC 0.00002.
gnomAD v4.1: 7 of 1,602,668 alleles (0.00044%); highest among the groups gnomAD compares: Admixed American, 0.0051%; no homozygotes.

Submissions (2):

Labcorp Genetics (formerly Invitae), Labcorp
Classification: Uncertain significance. Last evaluated: 2025-12-12. Review status: criteria provided, single submitter. Criteria: Invitae Variant Classification Sherloc (09022015). Collection method: clinical testing. Allele origin: germline.
Comment: This sequence change replaces threonine, which is neutral and polar, with isoleucine, which is neutral and non-polar, at codon 872 of the A2ML1 protein (p.Thr872Ile). This variant is present in population databases (rs779404191, gnomAD 0.009%). This variant has not been reported in the literature in individuals affected with A2ML1-related conditions. ClinVar contains an entry for this variant (Variation ID: 2190434). An algorithm developed to predict the effect of missense changes on protein structure and function (PolyPhen-2) suggests that this variant is likely to be tolerated. In summary, the available evidence is currently insufficient to determine the role of this variant in disease. Therefore, it has been classified as a Variant of Uncertain Significance.

Ambry Genetics
Classification: Uncertain significance. Last evaluated: 2025-09-17. Review status: criteria provided, single submitter. Criteria: Ambry Variant Classification Scheme 2023. Collection method: clinical testing. Allele origin: germline.
Comment: The p.T872I variant (also known as c.2615C>T), located in coding exon 21 of the A2ML1 gene, results from a C to T substitution at nucleotide position 2615. The threonine at codon 872 is replaced by isoleucine, an amino acid with similar properties. This amino acid position is conserved. In addition, this alteration is predicted to be tolerated by in silico analysis. Based on the available evidence, the clinical significance of this variant remains unclear.